The following is an entry in ClinVar:

ClinVar aggregate classification (germline): Uncertain significance (1 of 4 stars; one submission).

Conditions:
Aortic valve disease 2 (AOVD2). Identifiers: MedGen C3542024, MONDO:0013902, OMIM 614823.

Submission:

Labcorp Genetics (formerly Invitae), Labcorp
Classification: Uncertain significance for Aortic valve disease 2. Last evaluated: 2023-06-15. Review status: criteria provided, single submitter. Criteria: Invitae Variant Classification Sherloc (09022015). Collection method: clinical testing. Allele origin: germline.
Comment: In summary, the available evidence is currently insufficient to determine the role of this variant in disease. Therefore, it has been classified as a Variant of Uncertain Significance. Advanced modeling of protein sequence and biophysical properties (such as structural, functional, and spatial information, amino acid conservation, physicochemical variation, residue mobility, and thermodynamic stability) performed at Invitae indicates that this missense variant is not expected to disrupt TBX5 protein function. This variant has not been reported in the literature in individuals affected with TBX5-related conditions. This variant is not present in population databases (gnomAD no frequency). This sequence change replaces proline, which is neutral and non-polar, with histidine, which is basic and polar, at codon 389 of the TBX5 protein (p.Pro389His).

NM_181486.4(TBX5):c.1166C>A (p.Pro389His)

Gene: TBX5 (T-box transcription factor 5; minus strand). Cytogenetic location: 12q24.21.
Variant type: single nucleotide variant.
Coding change: c.1166C>A on transcript NM_181486.4 (MANE Select); coding-DNA position 1166, C replaced by A.
Protein change: p.Pro389His; replaces proline 389 with histidine.
Molecular consequence: missense variant.
Genome position (GRCh38, 1-based): chr12:114,355,923, G>T on the plus strand (C>A on the coding strand, the complement: TBX5 is on the minus strand). VCF-style: chr12-114355923-G-T. GRCh37 (hg19) VCF-style: chr12-114793728-G-T.
Other names: c.1166C>A, p.Pro389His (NM_000192.3); c.1016C>A, p.Pro339His (NM_080717.4); short protein forms P389H, P339H.
Identifiers: ClinVar variation 2715603 (VCV002715603.3), dbSNP rs2540425249, ClinGen allele CA386925649.